The following is an entry in ClinVar:

ClinVar aggregate classification (germline): Benign. Review status: criteria provided, multiple submitters, no conflicts (2 of 4 stars). 14 submissions from 13 submitters: Benign (11). 3 of the submissions do not count toward it. Last evaluated 2026-02-04.

Conditions:
Cardiovascular phenotype. Identifiers: MedGen CN230736.
Long QT syndrome (LQTS). Identifiers: MedGen C0023976, MeSH D008133, MONDO:0002442. Disease mechanism: loss of function. Inheritance: Various modes of inheritance.
Long QT syndrome 11 (LQT11). Identifiers: Orphanet 101016, Orphanet 768, MedGen C2678483, MONDO:0012738, OMIM 611820.

Allele frequency attached by ClinVar (database versions not stated): gnomAD exomes 0.38892 and 0.39005; ExAC 0.39892; 1000 Genomes Project 0.42472; 1000 Genomes Project 30x 0.43254; gnomAD 0.45096 and 0.45670; TOPMed 0.45562; ESP Exome Variant Server 0.47907.

Submissions (14):

Labcorp Genetics (formerly Invitae), Labcorp
Classification: Benign for Long QT syndrome. Last evaluated: 2026-02-04. Review status: criteria provided, single submitter. Criteria: Invitae Variant Classification Sherloc (09022015). Collection method: clinical testing. Allele origin: germline.

Blueprint Genetics
Classification: Benign. Last evaluated: 2024-11-27. Review status: criteria provided, single submitter. Criteria: ACMG Guidelines, 2015. Collection method: clinical testing. Allele origin: germline.

Genome-Nilou Lab
Classification: Benign for Long QT syndrome 11. Last evaluated: 2021-12-05. Review status: criteria provided, single submitter. Criteria: ACMG Guidelines, 2015. Collection method: clinical testing. Allele origin: germline. Affected: no.

Women's Health and Genetics/Laboratory Corporation of America, LabCorp
Classification: Benign. Last evaluated: 2019-08-12. Review status: criteria provided, single submitter. Criteria: LabCorp Variant Classification Summary - May 2015. Collection method: clinical testing. Allele origin: germline.
Comment: Variant summary: AKAP9 c.4004_4006dupAAC (p.Lys1335_Leu1336insGln) results in an in-frame insertion that is predicted to insert Gln amino acid into the encoded protein. The variant allele was found at a frequency of 0.4 in 281434 control chromosomes, predominantly at a frequency of 0.63 within the African or African-American subpopulation in the gnomAD database, including 4942 homozygotes. Therefore, suggesting the variant is the major allele observed in population(s) of African-American origin. Four ClinVar submissions from clinical diagnostic laboratories (evaluation after 2014) cite the variant three times a benign and once as likely benign. Based on the evidence outlined above, the variant was classified as benign.

GeneDx
Classification: Benign. Last evaluated: 2016-09-30. Review status: criteria provided, single submitter. Criteria: GeneDx Variant Classification (06012015). Collection method: clinical testing. Allele origin: germline. Affected: yes.
Comment: This variant is considered likely benign or benign based on one or more of the following criteria: it is a conservative change, it occurs at a poorly conserved position in the protein, it is predicted to be benign by multiple in silico algorithms, and/or has population frequency not consistent with disease.

Laboratory for Molecular Medicine, Mass General Brigham Personalized Medicine
Classification: Benign. Last evaluated: 2016-04-25. Review status: criteria provided, single submitter. Criteria: LMM Criteria. Collection method: clinical testing. Allele origin: germline.
Comment: Variant identified in a genome or exome case(s) and assessed due to predicted null impact of the variant or pathogenic assertions in the literature or databases. Disclaimer: This variant has not undergone full assessment. The following are preliminary notes: Frequency in dbSNP (all): 865/2184=40%

Eurofins Ntd Llc (ga)
Classification: Benign. Last evaluated: 2015-06-08. Review status: criteria provided, single submitter. Criteria: EGL Classification Definitions. Collection method: clinical testing. Allele origin: germline. Observed: 1 variant allele, 1 heterozygote.

Biesecker Lab/Clinical Genomics Section, National Institutes of Health
Classification: Benign. Last evaluated: 2013-06-24. Review status: criteria provided, single submitter. Criteria: Ng et al. (Circ Cardiovasc Genet. 2013). Collection method: research. Allele origin: unknown. Observed: 527 variant alleles. Study: ClinSeq.
Comment: The study set was not selected for affection status in relation to any cancer. Pathogenicity categories were based on literature curation. See Pubmed ID:23861362 for details.

Medical sequencing

Ambry Genetics
Classification: Benign for cardiovascular phenotype. Last evaluated: 2012-09-17. Review status: criteria provided, single submitter. Criteria: Ambry Autosomal Dominant and X-Linked criteria (10/2015). Collection method: clinical testing. Allele origin: germline. Observed: 1 variant allele.

Molecular Diagnostic Laboratory for Inherited Cardiovascular Disease, Montreal Heart Institute
Classification: Benign. Review status: criteria provided, single submitter. Criteria: ACMG Guidelines, 2015. Collection method: clinical testing. Allele origin: germline. Affected: yes.

PreventionGenetics, part of Exact Sciences
Classification: Benign. Review status: criteria provided, single submitter. Criteria: ACMG Guidelines, 2015. Collection method: clinical testing. Allele origin: germline.

Clinical Genetics, Academic Medical Center
Classification: Benign. Review status: no assertion criteria provided. Collection method: clinical testing. Allele origin: germline. Affected: yes. Study: VKGL Data-share Consensus. Not counted in ClinVar's aggregate classification.

Diagnostic Laboratory, Department of Genetics, University Medical Center Groningen
Classification: Benign. Review status: no assertion criteria provided. Collection method: clinical testing. Allele origin: germline. Affected: yes. Study: VKGL Data-share Consensus. Not counted in ClinVar's aggregate classification.

Ambry Genetics
Classification: Benign for cardiovascular phenotype. Last evaluated: 2012-09-17. Review status: flagged submission. Criteria: Ambry Autosomal Dominant and X-Linked criteria (10/2015). Collection method: clinical testing. Allele origin: germline. Observed: 1 variant allele. Not counted in ClinVar's aggregate classification.
ClinVar note: Reason: This record appears to be redundant with a more recent record from the same submitter.
ClinVar note: Notes: SCV000317529 appears to be redundant with SCV000317648.

NM_005751.5(AKAP9):c.4004_4006dup (p.Lys1335_Leu1336insGln)

Gene: AKAP9 (A-kinase anchoring protein 9; plus strand). Cytogenetic location: 7q21.2.
Variant type: Duplication.
Coding change: c.4004_4006dup on transcript NM_005751.5 (MANE Select); coding-DNA positions 4004 to 4006, 3 bases duplicated (AAC; older notation c.4004_4006dupAAC).
Protein change: p.Lys1335_Leu1336insGln.
Molecular consequence: inframe insertion.
Genome position (GRCh38, 1-based): chr7:92,022,865-92,022,867, AAC duplicated. VCF-style (leftmost placement, unchanged base first): chr7-92022864-A-AAAC. GRCh37 (hg19) VCF-style: chr7-91652178-A-AAAC.
Other names: c.4004_4006dupAAC (NM_005751.4); c.4004_4006dup, p.Lys1335_Leu1336insGln (NM_147185.3).
Identifiers: ClinVar variation 190508 (VCV000190508.35), dbSNP rs10644111, ClinGen allele CA199739.
Genomic context (GRCh38, chr7:92,022,864, plus strand): 5'-TATAACATAGATGTCAATCATAAAAGCAAGTTATCTTCTCTGCAAGATCTTGAAAAAACT[A>AAAC]AACTTGAAGAACAAGTTCAAGAATTAGAAAGCCTCATATCCTCTTTGCAGCAACAGTTGA-3'